The following is an entry in ClinVar:

ClinVar aggregate classification (germline): Uncertain significance. Review status: criteria provided, multiple submitters, no conflicts (2 of 4 stars). 2 submissions from 2 submitters: Uncertain significance (2). Last evaluated 2025-08-26.

Conditions:
Inborn genetic diseases. Identifiers: MedGen C0950123, MeSH D030342.

Allele frequency attached by ClinVar (database versions not stated): gnomAD exomes below 0.00001.
gnomAD v4.1: 3 of 1,607,684 alleles (0.00019%); highest among the groups gnomAD compares: African/African-American, 0.0013%; no homozygotes.

Submissions (2):

Ambry Genetics
Classification: Uncertain significance for Inborn genetic diseases. Last evaluated: 2025-08-26. Review status: criteria provided, single submitter. Criteria: Ambry Variant Classification Scheme 2023. Collection method: clinical testing. Allele origin: germline.

Labcorp Genetics (formerly Invitae), Labcorp
Classification: Uncertain significance. Last evaluated: 2022-11-24. Review status: criteria provided, single submitter. Criteria: Invitae Variant Classification Sherloc (09022015). Collection method: clinical testing. Allele origin: germline.
Comment: In summary, the available evidence is currently insufficient to determine the role of this variant in disease. Therefore, it has been classified as a Variant of Uncertain Significance. Advanced modeling of protein sequence and biophysical properties (such as structural, functional, and spatial information, amino acid conservation, physicochemical variation, residue mobility, and thermodynamic stability) performed at Invitae indicates that this missense variant is not expected to disrupt ADCY5 protein function. This variant has not been reported in the literature in individuals affected with ADCY5-related conditions. This variant is not present in population databases (gnomAD no frequency). This sequence change replaces glutamine, which is neutral and polar, with lysine, which is basic and polar, at codon 313 of the ADCY5 protein (p.Gln313Lys).

NM_183357.3(ADCY5):c.937C>A (p.Gln313Lys)

Gene: ADCY5 (adenylate cyclase 5; minus strand). Cytogenetic location: 3q21.1.
Variant type: single nucleotide variant.
Coding change: c.937C>A on transcript NM_183357.3 (MANE Select); coding-DNA position 937, C replaced by A.
Protein change: p.Gln313Lys; replaces glutamine 313 with lysine.
Molecular consequence: missense variant.
Genome position (GRCh38, 1-based): chr3:123,447,609, G>T on the plus strand (C>A on the coding strand, the complement: ADCY5 is on the minus strand). VCF-style: chr3-123447609-G-T. GRCh37 (hg19) VCF-style: chr3-123166456-G-T.
Other names: c.937C>A (NM_183357.2); c.937C>A, p.Gln313Lys (NM_001378259.1); short protein forms Q313K.
Identifiers: ClinVar variation 1976438 (VCV001976438.6), dbSNP rs1325604831, ClinGen allele CA354356291.
Genomic context (GRCh38, chr3:123,447,609, plus strand): 5'-CGGTCCACCAGATGCCCTCAGAGGCGCTGCGTGGCTGCGGCAGCAGCAGGCCCACCACCT[G>T]GACGGCCAGCACCACGGCGATGAGCGCATAGCAGGCCAGGCCCATGTGGTCCTGGTGGAA-3'
Protein context (NP_899200.1, residues 303-323): YALIAVVLAV[Gln313Lys]VVGLLLPQPR